The following is an entry in ClinVar:

ClinVar aggregate classification (germline): Uncertain significance (1 of 4 stars; one submission).

Submission:

GeneDx
Classification: Uncertain significance. Last evaluated: 2025-02-04. Review status: criteria provided, single submitter. Criteria: GeneDx Variant Classification Process June 2021. Collection method: clinical testing. Allele origin: germline. Affected: yes.
Comment: Not observed at significant frequency in large population cohorts (gnomAD); In silico analysis indicates that this missense variant does not alter protein structure/function; Has not been previously published as pathogenic or benign to our knowledge

NM_005251.3(FOXC2):c.1156G>A (p.Gly386Ser)

Gene: FOXC2 (forkhead box C2; plus strand). Cytogenetic location: 16q24.1.
Variant type: single nucleotide variant.
Coding change: c.1156G>A on transcript NM_005251.3 (MANE Select); coding-DNA position 1156, G replaced by A.
Protein change: p.Gly386Ser; replaces glycine 386 with serine.
Molecular consequence: missense variant.
Genome position (GRCh38, 1-based): chr16:86,568,491, G>A. VCF-style: chr16-86568491-G-A. GRCh37 (hg19) VCF-style: chr16-86602097-G-A.
Other names: short protein forms G386S.
Identifiers: ClinVar variation 4072498 (VCV004072498.1).